The following is an entry in ClinVar:

ClinVar aggregate classification (germline): Uncertain significance (1 of 4 stars; one submission).

Submission:

Labcorp Genetics (formerly Invitae), Labcorp
Classification: Uncertain significance. Last evaluated: 2025-01-31. Review status: criteria provided, single submitter. Criteria: Invitae Variant Classification Sherloc (09022015). Collection method: clinical testing. Allele origin: germline.
Comment: This sequence change replaces lysine, which is basic and polar, with methionine, which is neutral and non-polar, at codon 565 of the NEFH protein (p.Lys565Met). This variant is not present in population databases (gnomAD no frequency). This missense change has been observed in individual(s) with Charcot-Marie-Tooth disease (internal data). Invitae Evidence Modeling of protein sequence and biophysical properties (such as structural, functional, and spatial information, amino acid conservation, physicochemical variation, residue mobility, and thermodynamic stability) indicates that this missense variant is not expected to disrupt NEFH protein function with a negative predictive value of 95%. In summary, the available evidence is currently insufficient to determine the role of this variant in disease. Therefore, it has been classified as a Variant of Uncertain Significance.

NM_021076.4(NEFH):c.1694A>T (p.Lys565Met)

Gene: NEFH (neurofilament heavy chain; plus strand). Cytogenetic location: 22q12.2.
Variant type: single nucleotide variant.
Coding change: c.1694A>T on transcript NM_021076.4 (MANE Select); coding-DNA position 1694, A replaced by T.
Protein change: p.Lys565Met; replaces lysine 565 with methionine.
Molecular consequence: missense variant.
Genome position (GRCh38, 1-based): chr22:29,489,334, A>T. VCF-style: chr22-29489334-A-T. GRCh37 (hg19) VCF-style: chr22-29885323-A-T.
Other names: short protein forms K565M.
Identifiers: ClinVar variation 4803170 (VCV004803170.1).